The following is an entry in ClinVar:

ClinVar aggregate classification (germline): Pathogenic (1 of 4 stars; one submission).

Submission:

Labcorp Genetics (formerly Invitae), Labcorp
Classification: Pathogenic. Last evaluated: 2022-10-07. Review status: criteria provided, single submitter. Criteria: Invitae Variant Classification Sherloc (09022015). Collection method: clinical testing. Allele origin: germline.
Comment: This variant is a gross deletion of the genomic region encompassing exon(s) 35 of the USH2A gene. This deletion is out-of-frame, and is expected to create a premature termination codon and result in an absent or disrupted protein product. Loss-of-function variants in USH2A are known to be pathogenic (PMID: 10729113, 10909849, 20507924, 25649381). This variant has not been reported in the literature in individuals affected with USH2A-related conditions. For these reasons, this variant has been classified as Pathogenic.

Literature cited by the submitters: PubMed 10729113; PubMed 10909849; PubMed 20507924; PubMed 25649381.

NC_000001.11:g.(?_215993010)_(215993177_?)del

Gene: USH2A (usherin; minus strand). Cytogenetic location: 1q41.
Variant type: Deletion.
Identifiers: ClinVar variation 831328 (VCV000831328.2).